The following is an entry in ClinVar:

NM_000478.6(ALPL):c.535G>A (p.Ala179Thr)

Gene: ALPL (alkaline phosphatase, biomineralization associated; plus strand). Cytogenetic location: 1p36.12.
Variant type: single nucleotide variant.
Coding change: c.535G>A on transcript NM_000478.6 (MANE Select); coding-DNA position 535, G replaced by A.
Protein change: p.Ala179Thr; replaces alanine 179 with threonine.
Molecular consequence: missense variant.
Genome position (GRCh38, 1-based): chr1:21,564,103, G>A. VCF-style: chr1-21564103-G-A. GRCh37 (hg19) VCF-style: chr1-21890596-G-A.
Other names: A162T; c.370G>A, p.Ala124Thr (NM_001127501.4); c.304G>A, p.Ala102Thr (NM_001177520.3); c.535G>A, p.Ala179Thr (NM_001369803.2, NM_001369804.2, NM_001369805.2); short protein forms A179T, A102T, A124T.
Identifiers: ClinVar variation 13662 (VCV000013662.69), dbSNP rs121918000, ClinGen allele CA256919.

ClinVar aggregate classification (germline): Pathogenic. Review status: criteria provided, multiple submitters, no conflicts (2 of 4 stars). 14 submissions from 14 submitters: Pathogenic (12). 2 of the submissions do not count toward it. Last evaluated 2026-09-24.

Conditions:
Semidominant ALPL-related disorders.
ALPL-related disorder. Also called: ALPL-related disorders; ALPL-related condition.
Childhood hypophosphatasia. Identifiers: Orphanet 247667, Orphanet 436, MedGen C0220743, MONDO:1010168, OMIM 241510, MONDO:0009428.
Infantile hypophosphatasia. Identifiers: Orphanet 247651, Orphanet 436, MedGen C0268412, MONDO:1010169, OMIM 241500, MONDO:0009427.
Adult hypophosphatasia. Identifiers: Orphanet 247676, Orphanet 436, MedGen C0268413, MONDO:1010154, OMIM 146300, MONDO:0007798.
Hypophosphatasia. Also called: Phosphoethanol-aminuria. Identifiers: Orphanet 436, MedGen C0020630, MeSH D007014, MONDO:0018570.

Allele frequency attached by ClinVar (database versions not stated): gnomAD exomes 0.00001.
gnomAD v4.1: 7 of 1,614,052 alleles (0.00043%); highest among the groups gnomAD compares: Non-Finnish European, 0.00059%; no homozygotes.

Submissions (14):

GeneDx
Classification: Pathogenic. Last evaluated: 2026-09-24. Review status: criteria provided, single submitter. Criteria: GeneDx Variant Classification Process June 2021. Collection method: clinical testing. Allele origin: germline.
Comment: Identified in patients with childhood hypophophatasia who harbored a second ALPL variant of unknown phase in published literature (PMID: 25731960, 29774402); Reported in a heterozygous adult patient with features of hypophosphatasia in published literature (PMID: 31485555); Published functional studies demonstrate a damaging effect on protein trafficking and enzyme activity (PMID: 3174660, 9562633, 12162492, 23509830); Not observed at significant frequency in large population cohorts (gnomAD); In silico analysis supports that this missense variant has a deleterious effect on protein structure/function; Also known as A162T; This variant is associated with the following publications: (PMID: 40127276, 23509830, 9562633, 28991257, 23791648, 31400546, 12162492, 11438998, 29774402, 32368696, 32160374, 39983296, 25731960, 3174660, 31485555, 8675582, 28436937, 10839996, 41294821)

Labcorp Genetics (formerly Invitae), Labcorp
Classification: Pathogenic. Last evaluated: 2026-01-20. Review status: criteria provided, single submitter. Criteria: Invitae Variant Classification Sherloc (09022015). Collection method: clinical testing. Allele origin: germline.
Comment: This sequence change replaces alanine, which is neutral and non-polar, with threonine, which is neutral and polar, at codon 179 of the ALPL protein (p.Ala179Thr). This variant is present in population databases (rs121918000, gnomAD 0.003%). This missense change has been observed in individual(s) with clinical features of hypophosphatasia (PMID: 3174660, 11438998, 32160374; internal data). This variant is also known as Ala162Thr. ClinVar contains an entry for this variant (Variation ID: 13662). Invitae Evidence Modeling of protein sequence and biophysical properties (such as structural, functional, and spatial information, amino acid conservation, physicochemical variation, residue mobility, and thermodynamic stability) indicates that this missense variant is expected to disrupt ALPL protein function with a positive predictive value of 95%. Experimental studies have shown that this missense change affects ALPL function (PMID: 9562633, 12162492, 23509830, 32160374). For these reasons, this variant has been classified as Pathogenic.

Natera, Inc.
Classification: Pathogenic for Hypophosphatasia. Last evaluated: 2025-12-08. Review status: criteria provided, single submitter. Criteria: Natera Variant Classification Schema (03/2026). Collection method: clinical testing. Allele origin: germline.
Comment: The c.535G>A variant in ALPL is a missense variant predicted to cause substitution of alanine to threonine at amino acid 179. This variant is rare in the general population with a frequency below the threshold expected for the associated phenotype(s). This variant has been observed in one or more individuals affected with the associated recessive disease, as either homozygous or compound heterozygous with a second variant (PMID: 3174660, 25731960, 28436937). Given the available evidence, this variant is classified as Pathogenic.

Genomenon, Inc
Classification: Pathogenic for Hypophosphatasia. Last evaluated: 2025-08-29. Review status: criteria provided, single submitter. Criteria: Genomenon Sequence Variant Interpretation Standards. Collection method: curation. Allele origin: germline. Affected: yes.
Comment: ALPL c.535G>A is a missense variant that changes the amino acid at residue 179 from Alanine to Threonine. This variant has been observed in at least one proband affected with hypophosphatasia (PMID:31485555;3174660;8675582;25731960;29774402;28436937;11438998). At least one functional study has demonstrated a substantial alteration in protein function relative to the wild-type (PMID:23509830;10839996;9562633). This variant is also described as Ala162Thr in the literature. It is absent or not present at a significant frequency in gnomAD. In silico models agree that this variant is possibly or probably damaging. In conclusion, we classify p.Ala179Thr (c.535G>A) as a pathogenic variant.

Variantyx, Inc.
Classification: Pathogenic for Semidominant ALPL-related disorders. Last evaluated: 2025-07-02. Review status: criteria provided, single submitter. Criteria: Variantyx Assertion Criteria 2022. Collection method: clinical testing. Allele origin: germline. Inheritance: Semidominant inheritance.
Comment: This is a nonsynonymous variant in the ALPL gene (OMIM: 171760). Pathogenic variants in this gene have been associated with autosomal semidominant ALPL-related disorders. This variant has been reported in the homozygous or compound heterozygous state in several affected individuals (PMID: 11438998, 29774402) (PM3_Supporting). Functional studies have shown that this variant alters ALPL protein function (PMID: 9562633, 23509830, 32160374) (PS3) and multiple computational algorithms predict a deleterious effect for this variant (REVEL score: 0.936) (PP3_Moderate). This variant lies within a known hotspot for pathogenic variants or a well-established critical functional domain of the ALPL protein (PM1). It has a 0.0006% maximum allele frequency in non-founder control populations (PM2_Supporting). Based on the current evidence, this variant is classified as pathogenic for autosomal semidominant ALPL-related disorders.

PreventionGenetics, part of Exact Sciences
Classification: Pathogenic for ALPL-related condition. Last evaluated: 2025-04-30. Review status: criteria provided, single submitter. Criteria: ACMG Guidelines, 2015. Collection method: clinical testing. Allele origin: germline.
Comment: The ALPL c.535G>A variant is predicted to result in the amino acid substitution p.Ala179Thr. This variant has been reported in the homozygous state to be causative for perinatal hypophosphatasia (reported as p.Ala162Thr, Weiss et al. 1988. PubMed ID: 3174660) and in the compound heterozygous state to be causative for lethal hypophosphatasia (reported as p.Ala162Thr, Family D, Taillandier et al. 2001. PubMed ID: 11438998). This variant was reported as de novo variant in a study related to congenital heart disease, but no further information was provided (Table S9, Jin et al. 2017. PubMed ID: 28991257). Functional studies suggest that this variant affects alkaline phosphatase activity (Shibata et al. 1998. PubMed ID: 9562633; Zhu et al. 2012. PubMed ID: 23509830). This variant is reported in 0.0026% of alleles in individuals of European (Non-Finnish) descent in gnomAD. This variant is interpreted as pathogenic.

Baylor Genetics
Classification: Pathogenic for Adult hypophosphatasia. Last evaluated: 2024-02-14. Review status: criteria provided, single submitter. Criteria: ACMG Guidelines, 2015. Collection method: clinical testing. Allele origin: unknown.

Fulgent Genetics
Classification: Pathogenic for Adult hypophosphatasia; Infantile hypophosphatasia; Childhood hypophosphatasia. Last evaluated: 2024-01-10. Review status: criteria provided, single submitter. Criteria: ACMG Guidelines, 2015. Collection method: clinical testing. Allele origin: germline.

Revvity Omics, Revvity
Classification: Pathogenic. Last evaluated: 2022-01-06. Review status: criteria provided, single submitter. Criteria: ACMG Guidelines, 2015. Collection method: clinical testing. Allele origin: germline.

Women's Health and Genetics/Laboratory Corporation of America, LabCorp
Classification: Pathogenic for Hypophosphatasia. Last evaluated: 2021-08-24. Review status: criteria provided, single submitter. Criteria: LabCorp Variant Classification Summary - May 2015. Collection method: clinical testing. Allele origin: germline.
Comment: Variant summary: ALPL c.535G>A (p.Ala179Thr) results in a non-conservative amino acid change in the encoded protein sequence. Four of five in-silico tools predict a damaging effect of the variant on protein function. The variant allele was found at a frequency of 1.2e-05 in 251074 control chromosomes (gnomAD). c.535G>A has been reported in the literature in multiple compound heterozygous and homozygous individuals affected with Hypophosphatasia (e.g. Weiss_1988, Taillandier_2001, Whyte_2015, Seefried_2017, Del Angel_2020). These data indicate that the variant is very likely to be associated with disease. Experimental evidence obtained from multiple functional studies, demonstrated the variant causes a severe reduction in enzyme activity and affects its stability, transport and mineralisation ability (e.g. Weiss_1988, Fedde_1996, Di Mauro_2002, Zhu_2012, Del Angel_2020). A ClinVar submitter (evaluation after 2014) cites the variant as pathogenic. Based on the evidence outlined above, the variant was classified as pathogenic.

CeGaT Center for Human Genetics Tuebingen
Classification: Pathogenic. Last evaluated: 2018-10-01. Review status: criteria provided, single submitter. Criteria: CeGaT Center For Human Genetics Tuebingen Variant Classification Criteria Version 2. Collection method: clinical testing. Allele origin: germline. Affected: yes. Observed: 1 variant allele.

Juno Genomics, Hangzhou Juno Genomics, Inc
Classification: Pathogenic for Adult hypophosphatasia; Childhood hypophosphatasia; Infantile hypophosphatasia. Review status: criteria provided, single submitter. Criteria: ACMG Guidelines, 2015. Collection method: clinical testing. Allele origin: germline.
Comment: Absent from controls (or at extremely low frequency if recessive) in Genome Aggregation Database.;Well-established in vitro or in vivo functional studies supportive of a damaging effect on the gene or gene product.;For recessive disorders, detected in trans with a pathogenic variant.

OMIM
Classification: Pathogenic for HYPOPHOSPHATASIA, INFANTILE. Last evaluated: 2024-10-30. Review status: no assertion criteria provided. Collection method: literature only. Allele origin: germline. Not counted in ClinVar's aggregate classification.

Counsyl
Classification: Likely pathogenic for Infantile hypophosphatasia. Last evaluated: 2014-08-01. Review status: no assertion criteria provided. Collection method: literature only. Allele origin: unknown. Inheritance: Autosomal recessive inheritance. Not counted in ClinVar's aggregate classification.

Literature cited by the submitters: PubMed 3174660 (cited by 5 submitters); PubMed 11438998 (cited by 5 submitters); PubMed 32160374 (cited by Labcorp Genetics (formerly Invitae), Labcorp and Women's Health and Genetics/Laboratory Corporation of America, LabCorp); PubMed 9562633 (cited by 3 submitters); PubMed 12162492 (cited by 3 submitters); PubMed 23509830 (cited by 4 submitters); PubMed 25731960 (cited by 3 submitters); PubMed 28436937 (cited by 3 submitters); PubMed 31485555 (cited by Genomenon, Inc); PubMed 8675582 (cited by Genomenon, Inc and Women's Health and Genetics/Laboratory Corporation of America, LabCorp); PubMed 29774402 (cited by Genomenon, Inc and Variantyx, Inc.); PubMed 10839996 (cited by Genomenon, Inc); PubMed 3532105 (cited by OMIM).